The following is an entry in ClinVar:

NM_006662.3(SRCAP):c.1525G>A (p.Asp509Asn)

Gene: SRCAP (Snf2 related CREBBP activator protein; plus strand). Cytogenetic location: 16p11.2.
Variant type: single nucleotide variant.
Coding change: c.1525G>A on transcript NM_006662.3 (MANE Select); coding-DNA position 1525, G replaced by A.
Protein change: p.Asp509Asn; replaces aspartic acid 509 with asparagine.
Molecular consequence: missense variant.
Genome position (GRCh38, 1-based): chr16:30,711,867, G>A. VCF-style: chr16-30711867-G-A. GRCh37 (hg19) VCF-style: chr16-30723188-G-A.
Other names: short protein forms D509N.
Identifiers: ClinVar variation 2907722 (VCV002907722.3), dbSNP rs1354282429, ClinGen allele CA395604331.

ClinVar aggregate classification (germline): Uncertain significance (1 of 4 stars; one submission).

Allele frequency attached by ClinVar (database versions not stated): TOPMed below 0.00001; gnomAD 0.00001.

Submission:

Labcorp Genetics (formerly Invitae), Labcorp
Classification: Uncertain significance. Last evaluated: 2022-11-16. Review status: criteria provided, single submitter. Criteria: Invitae Variant Classification Sherloc (09022015). Collection method: clinical testing. Allele origin: germline.
Comment: In summary, the available evidence is currently insufficient to determine the role of this variant in disease. Therefore, it has been classified as a Variant of Uncertain Significance. This sequence change replaces aspartic acid, which is acidic and polar, with asparagine, which is neutral and polar, at codon 509 of the SRCAP protein (p.Asp509Asn). This variant is not present in population databases (gnomAD no frequency). This variant has not been reported in the literature in individuals affected with SRCAP-related conditions. Advanced modeling of protein sequence and biophysical properties (such as structural, functional, and spatial information, amino acid conservation, physicochemical variation, residue mobility, and thermodynamic stability) performed at Invitae indicates that this missense variant is not expected to disrupt SRCAP protein function.